The following is an entry in ClinVar:

ClinVar aggregate classification (germline): Likely pathogenic (1 of 4 stars; one submission).

Conditions:
Primary ciliary dyskinesia 33. Also called: CILIARY DYSKINESIA, PRIMARY, 33, WITHOUT SITUS INVERSUS. Identifiers: Orphanet 244, MedGen C4225230, MONDO:0014750, OMIM 616726.

gnomAD v4.1: 1 of 1,594,912 alleles (0.000063%); highest among the groups gnomAD compares: Non-Finnish European, 0.000085%; no homozygotes.

Submission:

Labcorp Genetics (formerly Invitae), Labcorp
Classification: Likely pathogenic for Primary ciliary dyskinesia 33. Last evaluated: 2024-04-29. Review status: criteria provided, single submitter. Criteria: Invitae Variant Classification Sherloc (09022015). Collection method: clinical testing. Allele origin: germline.
Comment: This sequence change affects a donor splice site in intron 9 of the GAS8 gene. It is expected to disrupt RNA splicing. Variants that disrupt the donor or acceptor splice site typically lead to a loss of protein function (PMID: 16199547), and loss-of-function variants in GAS8 are known to be pathogenic (PMID: 26387594). This variant is not present in population databases (gnomAD no frequency). This variant has not been reported in the literature in individuals affected with GAS8-related conditions. Algorithms developed to predict the effect of sequence changes on RNA splicing suggest that this variant may disrupt the consensus splice site. In summary, the currently available evidence indicates that the variant is pathogenic, but additional data are needed to prove that conclusively. Therefore, this variant has been classified as Likely Pathogenic.

Literature cited by the submitters: PubMed 16199547; PubMed 26387594.

NM_001481.3(DRC4):c.1221+1G>T

Gene: DRC4 (dynein regulatory complex subunit 4; plus strand). Cytogenetic location: 16q24.3.
Variant type: single nucleotide variant.
Coding change: c.1221+1G>T on transcript NM_001481.3 (MANE Select); the canonical splice donor site of the intron after coding-DNA position 1221, G replaced by T.
Molecular consequence: splice donor variant.
Genome position (GRCh38, 1-based): chr16:90,040,510, G>T. VCF-style: chr16-90040510-G-T. GRCh37 (hg19) VCF-style: chr16-90106918-G-T.
Other names: c.1146+1G>T (NM_001286209.2); c.972+1G>T (NM_001286205.2); c.645+1G>T (NM_001286208.2).
Identifiers: ClinVar variation 3719545 (VCV003719545.2).